The following is an entry in ClinVar:

ClinVar aggregate classification (germline): Conflicting classifications of pathogenicity. Review status: criteria provided, conflicting classifications (1 of 4 stars). 5 submissions from 5 submitters: Uncertain significance (1); Likely benign (3). 1 of the submissions does not count toward it. Last evaluated 2026-01-11.

Conditions:
POMGNT2-related disorder. Also called: POMGNT2-related condition.
Muscular dystrophy-dystroglycanopathy (congenital with brain and eye anomalies), type a, 8 (MDDGA8). Also called: WALKER-WARBURG SYNDROME OR MUSCLE-EYE-BRAIN DISEASE, GTDC2-RELATED. Identifiers: Orphanet 899, MedGen C3553813, MONDO:0013904, OMIM 614830.
Inborn genetic diseases. Identifiers: MedGen C0950123, MeSH D030342.

Allele frequency attached by ClinVar (database versions not stated): gnomAD exomes 0.00011 and 0.00027; ExAC 0.00040; gnomAD 0.00076 and 0.00081; 1000 Genomes Project 30x 0.00078; TOPMed 0.00079; 1000 Genomes Project 0.00080; ESP Exome Variant Server 0.00108.

Submissions (5):

Labcorp Genetics (formerly Invitae), Labcorp
Classification: Likely benign for Muscular dystrophy-dystroglycanopathy (congenital with brain and eye anomalies), type a, 8. Last evaluated: 2026-01-11. Review status: criteria provided, single submitter. Criteria: Invitae Variant Classification Sherloc (09022015). Collection method: clinical testing. Allele origin: germline.

Ambry Genetics
Classification: Likely benign for Inborn genetic diseases. Last evaluated: 2025-10-01. Review status: criteria provided, single submitter. Criteria: Ambry Variant Classification Scheme 2023. Collection method: clinical testing. Allele origin: germline.

Mayo Clinic Laboratories, Mayo Clinic
Classification: Likely benign. Last evaluated: 2024-12-30. Review status: criteria provided, single submitter. Criteria: ACMG Guidelines, 2015. Collection method: clinical testing. Allele origin: germline. Observed: 1 variant allele.
Comment: BS1, BP4_moderate

GeneDx
Classification: Uncertain significance. Last evaluated: 2020-05-07. Review status: criteria provided, single submitter. Criteria: GeneDx Variant Classification Process June 2021. Collection method: clinical testing. Allele origin: germline. Affected: yes.
Comment: In silico analysis supports that this missense variant does not alter protein structure/function; Has not been previously published as pathogenic or benign to our knowledge

PreventionGenetics, part of Exact Sciences
Classification: Likely benign for POMGNT2-related condition. Last evaluated: 2024-06-12. Review status: no assertion criteria provided. Collection method: clinical testing. Allele origin: germline. Not counted in ClinVar's aggregate classification.
Comment: This variant is classified as likely benign based on ACMG/AMP sequence variant interpretation guidelines (Richards et al. 2015 PMID: 25741868, with internal and published modifications).

NM_032806.6(POMGNT2):c.1388G>A (p.Arg463His)

Gene: POMGNT2 (protein O-linked mannose N-acetylglucosaminyltransferase 2 (beta 1,4-); minus strand). Cytogenetic location: 3p22.1.
Variant type: single nucleotide variant.
Coding change: c.1388G>A on transcript NM_032806.6 (MANE Select); coding-DNA position 1388, G replaced by A.
Protein change: p.Arg463His; replaces arginine 463 with histidine.
Molecular consequence: missense variant.
Genome position (GRCh38, 1-based): chr3:43,080,044, C>T on the plus strand (G>A on the coding strand, the complement: POMGNT2 is on the minus strand). VCF-style: chr3-43080044-C-T. GRCh37 (hg19) VCF-style: chr3-43121536-C-T.
Other names: p.Arg463His; c.1388G>A (NM_032806.4); short protein forms R463H.
Identifiers: ClinVar variation 432963 (VCV000432963.17), dbSNP rs143394182, ClinGen allele CA2339857.
Genomic context (GRCh38, chr3:43,080,044, plus strand): 5'-CCTGGATATAGGCCGACTGTCCACTTCTGCTTCCGTGGTCCTGGCCGGCCCTTCACCACG[C>T]GCCGTATGGTTTGAATGAGGGACGGGATGTCCACCTTGGTGTCCTGGTAGATTCGGAAGA-3'
Protein context (NP_116195.2, residues 453-473): DIPSLIQTIR[Arg463His]VVKGRPGPRK